The following is an entry in ClinVar:

NM_001754.5(RUNX1):c.697C>T (p.Arg233Cys)

Gene: RUNX1 (RUNX family transcription factor 1; minus strand). Cytogenetic location: 21q22.12.
Variant type: single nucleotide variant.
Coding change: c.697C>T on transcript NM_001754.5 (MANE Select); coding-DNA position 697, C replaced by T.
Protein change: p.Arg233Cys; replaces arginine 233 with cysteine.
Molecular consequence: missense variant.
Genome position (GRCh38, 1-based): chr21:34,834,518, G>A on the plus strand (C>T on the coding strand, the complement: RUNX1 is on the minus strand). VCF-style: chr21-34834518-G-A. GRCh37 (hg19) VCF-style: chr21-36206815-G-A.
Other names: NM_001754.5(RUNX1):c.697C>T; p.Arg233Cys; c.616C>T, p.Arg206Cys (NM_001001890.3, NM_001122607.2); short protein forms R233C, R206C.
Identifiers: ClinVar variation 409825 (VCV000409825.11), dbSNP rs765528082, ClinGen allele CA10014374.
Genomic context (GRCh38, chr21:34,834,518, plus strand): 5'-GGGAGGCACGAGGGTTGGGCGTGGGGGCTGGGTGGTGTGGGCTGACCCTCATGGCTGTGC[G>A]CCGCAGCTGCTCCAGTTCACTGAGCCGCTCGGAAAAGGACAAGCTCCCGGGCTTGGTCTG-3'
Protein context (NP_001745.2, residues 223-243): ERLSELEQLR[Arg233Cys]TAMRVSPHHP

ClinVar aggregate classification (germline): Uncertain significance. Review status: reviewed by expert panel (3 of 4 stars). 5 submissions from 5 submitters: Uncertain significance (1). 4 of the submissions do not count toward it. Last evaluated 2024-07-11.

Conditions:
Hereditary thrombocytopenia and hematologic cancer predisposition syndrome. Identifiers: Orphanet 71290, MedGen CN281654, MONDO:0011071.
Acute myeloid leukemia (AML). Also called: Leukemia, acute myeloid, somatic; Leukemia, acute myelogenous, somatic; Acute myeloid leukemia, adult; AML adult; Acute non-lymphocytic leukemia; Acute granulocytic leukemia. Identifiers: Orphanet 519, MedGen C0023467, MeSH D015470, MONDO:0018874, OMIM 601626, HP:0004808. Disease mechanism: Constitutively activated FLT3.
Inborn genetic diseases. Identifiers: MedGen C0950123, MeSH D030342.
Hereditary thrombocytopenia and hematological cancer predisposition syndrome associated with RUNX1. Also called: Familial thrombocytopenia with propensity to acute myelogenous leukemia; Familial Platelet Disorder with Propensity to Acute Myelogenous Leukemia; PLATELET DISORDER, ASPIRIN-LIKE; RUNX1 Familial Platelet Disorder with Associated Myeloid Malignancies. Identifiers: Orphanet 71290, MedGen C1832388, MeSH C563324, MONDO:0100083, OMIM 601399.

Allele frequency attached by ClinVar (database versions not stated): TOPMed below 0.00001; ExAC 0.00001; gnomAD 0.00001; gnomAD exomes 0.00001.
gnomAD v4.1: 13 of 1,613,148 alleles (0.00081%); highest among the groups gnomAD compares: Non-Finnish European, 0.00085%; no homozygotes.

Submissions (5):

ClinGen Myeloid Malignancy Variant Curation Expert Panel
Classification: Uncertain significance for Hereditary thrombocytopenia and hematologic cancer predisposition syndrome. Last evaluated: 2024-07-11. Review status: reviewed by expert panel. Criteria: ClinGen MyeloMalig ACMG Specifications v2. Collection method: curation. Allele origin: germline. Inheritance: Autosomal dominant inheritance.
Comment: NM_001754.5(RUNX1):c.697C>T (p.Arg233Cys) is a missense variant which does not meet any ACMG/AMP criteria. In summary, the clinical significance of this variant is uncertain. ACMG/AMP criteria applied, as specified by the Myeloid Malignancy Variant Curation Expert Panel for RUNX1: None

Labcorp Genetics (formerly Invitae), Labcorp
Classification: Uncertain significance for Hereditary thrombocytopenia and hematological cancer predisposition syndrome associated with RUNX1. Last evaluated: 2025-10-06. Review status: criteria provided, single submitter. Criteria: Invitae Variant Classification Sherloc (09022015). Collection method: clinical testing. Allele origin: germline. Not counted in ClinVar's aggregate classification.
Comment: This sequence change replaces arginine, which is basic and polar, with cysteine, which is neutral and slightly polar, at codon 233 of the RUNX1 protein (p.Arg233Cys). This variant is present in population databases (rs765528082, gnomAD 0.002%). This variant has not been reported in the literature in individuals affected with RUNX1-related conditions. ClinVar contains an entry for this variant (Variation ID: 409825). Invitae Evidence Modeling of protein sequence and biophysical properties (such as structural, functional, and spatial information, amino acid conservation, physicochemical variation, residue mobility, and thermodynamic stability) has been performed for this missense variant. However, the output from this modeling did not meet the statistical confidence thresholds required to predict the impact of this variant on RUNX1 protein function. In summary, the available evidence is currently insufficient to determine the role of this variant in disease. Therefore, it has been classified as a Variant of Uncertain Significance.

Ambry Genetics
Classification: Uncertain significance for Inborn genetic diseases. Last evaluated: 2025-01-28. Review status: criteria provided, single submitter. Criteria: Ambry Variant Classification Scheme 2023. Collection method: clinical testing. Allele origin: germline. Not counted in ClinVar's aggregate classification.
Comment: The p.R233C variant (also known as c.697C>T), located in coding exon 6 of the RUNX1 gene, results from a C to T substitution at nucleotide position 697. The arginine at codon 233 is replaced by cysteine, an amino acid with highly dissimilar properties. This amino acid position is highly conserved in available vertebrate species. In addition, this alteration is predicted to be deleterious by in silico analysis. Based on the available evidence, the clinical significance of this variant remains unclear.

GeneDx
Classification: Uncertain significance. Last evaluated: 2024-07-12. Review status: criteria provided, single submitter. Criteria: GeneDx Variant Classification Process June 2021. Collection method: clinical testing. Allele origin: germline. Affected: yes. Not counted in ClinVar's aggregate classification.
Comment: Not observed at significant frequency in large population cohorts (gnomAD); In silico analysis supports that this missense variant has a deleterious effect on protein structure/function; Has not been previously published as pathogenic or benign to our knowledge

Baylor Genetics
Classification: Uncertain significance for Acute myeloid leukemia. Last evaluated: 2023-09-08. Review status: criteria provided, single submitter. Criteria: ACMG Guidelines, 2015. Collection method: clinical testing. Allele origin: unknown. Not counted in ClinVar's aggregate classification.